The following is an entry in ClinVar:

NM_152383.5(DIS3L2):c.264+9A>T

Gene: DIS3L2 (DIS3 like 3'-5' exoribonuclease 2; plus strand). Cytogenetic location: 2q37.1.
Variant type: single nucleotide variant.
Coding change: c.264+9A>T on transcript NM_152383.5 (MANE Select); 9 bases into the intron after coding-DNA position 264, A replaced by T.
Molecular consequence: intron variant.
Genome position (GRCh38, 1-based): chr2:232,024,339, A>T. VCF-style: chr2-232024339-A-T. GRCh37 (hg19) VCF-style: chr2-232889049-A-T.
Other names: c.264+9A>T (NM_001257281.2, NM_001257282.2).
Identifiers: ClinVar variation 531972 (VCV000531972.10), dbSNP rs745443608, ClinGen allele CA2163759.
Genomic context (GRCh38, chr2:232,024,339, plus strand): 5'-TGTATTGAGAATTAATCCAAAGAAGTTTCATGAAGCCTTCATTCCTTCCCCGGTAAGTTC[A>T]ATAAATTTATAATAAACTTTATGTCACATTTAATTTTTTAGATCTGCTCCGAAACTGAAA-3'

ClinVar aggregate classification (germline): Likely benign. Review status: criteria provided, single submitter (1 of 4 stars). 2 submissions from 2 submitters: Likely benign (1). 1 of the submissions does not count toward it. Last evaluated 2025-11-19.

Conditions:
Perlman syndrome (PRLMNS). Identifiers: Orphanet 2849, MedGen C0796113, MONDO:0009965, OMIM 267000.
DIS3L2-related disorder. Also called: DIS3L2-related condition.

Allele frequency attached by ClinVar (database versions not stated): ExAC 0.00001; gnomAD exomes 0.00002.
gnomAD v4.1: 3 of 1,589,494 alleles (0.00019%); highest among the groups gnomAD compares: Admixed American, 0.0052%; no homozygotes.

Submissions (2):

Labcorp Genetics (formerly Invitae), Labcorp
Classification: Likely benign for Perlman syndrome. Last evaluated: 2025-11-19. Review status: criteria provided, single submitter. Criteria: Invitae Variant Classification Sherloc (09022015). Collection method: clinical testing. Allele origin: germline.

PreventionGenetics, part of Exact Sciences
Classification: Likely benign for DIS3L2-related condition. Last evaluated: 2022-02-03. Review status: no assertion criteria provided. Collection method: clinical testing. Allele origin: germline. Not counted in ClinVar's aggregate classification.
Comment: This variant is classified as likely benign based on ACMG/AMP sequence variant interpretation guidelines (Richards et al. 2015 PMID: 25741868, with internal and published modifications).